The following is an entry in ClinVar:

ClinVar aggregate classification (germline): Uncertain significance (1 of 4 stars; one submission).

Conditions:
Werner syndrome (WRN). Identifiers: Orphanet 902, MedGen C0043119, MONDO:0010196, OMIM 277700.

Submission:

Labcorp Genetics (formerly Invitae), Labcorp
Classification: Uncertain significance for Werner syndrome. Last evaluated: 2023-08-03. Review status: criteria provided, single submitter. Criteria: Invitae Variant Classification Sherloc (09022015). Collection method: clinical testing. Allele origin: germline.
Comment: This sequence change replaces phenylalanine, which is neutral and non-polar, with serine, which is neutral and polar, at codon 1431 of the WRN protein (p.Phe1431Ser). This variant is not present in population databases (gnomAD no frequency). This variant has not been reported in the literature in individuals affected with WRN-related conditions. An algorithm developed to predict the effect of missense changes on protein structure and function (PolyPhen-2) suggests that this variant is likely to be disruptive. In summary, the available evidence is currently insufficient to determine the role of this variant in disease. Therefore, it has been classified as a Variant of Uncertain Significance.

NM_000553.6(WRN):c.4292T>C (p.Phe1431Ser)

Genes: WRN (WRN RecQ like helicase; plus strand), LOC126860342 (MED14-independent group 3 enhancer GRCh37_chr8:31029565-31030764; plus strand). Cytogenetic location: 8p12.
Variant type: single nucleotide variant.
Coding change: c.4292T>C on transcript NM_000553.6 (MANE Select); coding-DNA position 4292, T replaced by C.
Protein change: p.Phe1431Ser; replaces phenylalanine 1431 with serine.
Molecular consequence: missense variant.
Genome position (GRCh38, 1-based): chr8:31,173,095, T>C. VCF-style: chr8-31173095-T-C. GRCh37 (hg19) VCF-style: chr8-31030611-T-C.
Other names: short protein forms F1431S.
Identifiers: ClinVar variation 2749637 (VCV002749637.3), dbSNP rs2536089454, ClinGen allele CA370911941.
Genomic context (GRCh38, chr8:31,173,095, plus strand): 5'-TTGCCAAAGGAAGTGATACCAGCAAGAAATTAATGGACAAAACGAAAAGGGGAGGTCTTT[T>C]TAGTTAAGCTGGCAATTACCAGAACAATTATGTTTCTTGCTGTATTATAAGAGGATAGCT-3'
Protein context (NP_000544.2, residues 1421-1432): LMDKTKRGGL[Phe1431Ser]S